The following is an entry in ClinVar:

NM_020975.6(RET):c.2822T>C (p.Leu941Pro)

Gene: RET (ret proto-oncogene; plus strand). Cytogenetic location: 10q11.21.
Variant type: single nucleotide variant.
Coding change: c.2822T>C on transcript NM_020975.6 (MANE Select); coding-DNA position 2822, T replaced by C.
Protein change: p.Leu941Pro; replaces leucine 941 with proline.
Molecular consequence: missense variant.
Genome position (GRCh38, 1-based): chr10:43,123,691, T>C. VCF-style: chr10-43123691-T-C. GRCh37 (hg19) VCF-style: chr10-43619139-T-C.
Other names: c.2426T>C, p.Leu809Pro (NM_001406772.1, NM_001406769.1); c.2384T>C, p.Leu795Pro (NM_001406773.1, NM_001406771.1); c.2297T>C, p.Leu766Pro (NM_001406774.1); c.2096T>C, p.Leu699Pro (NM_001406775.1, NM_001406776.1, NM_001406777.1 and 1 more transcripts); c.1925T>C, p.Leu642Pro (NM_001406779.1, NM_001406780.1, NM_001406781.1 and 1 more transcripts); c.2822T>C, p.Leu941Pro (NM_000323.2, NM_001406743.1, NM_001406744.1 and 4 more transcripts); c.2060T>C, p.Leu687Pro (NM_001355216.2); c.2693T>C, p.Leu898Pro (NM_001406761.1, NM_001406762.1, NM_001406764.1); and 10 more; short protein forms L766P, L809P, L845P, L599P, L642P, L898P, L458P, L506P.
Identifiers: ClinVar variation 2821694 (VCV002821694.3), dbSNP rs2538614463, ClinGen allele CA376557756.

ClinVar aggregate classification (germline): Uncertain significance (1 of 4 stars; one submission).

Conditions:
Multiple endocrine neoplasia, type 2 (MEN2). Identifiers: Orphanet 653, MedGen C4048306, MONDO:0019003. Disease mechanism: gain of function.

Submission:

Labcorp Genetics (formerly Invitae), Labcorp
Classification: Uncertain significance for Multiple endocrine neoplasia, type 2. Last evaluated: 2025-11-10. Review status: criteria provided, single submitter. Criteria: Invitae Variant Classification Sherloc (09022015). Collection method: clinical testing. Allele origin: germline.
Comment: This sequence change replaces leucine, which is neutral and non-polar, with proline, which is neutral and non-polar, at codon 941 of the RET protein (p.Leu941Pro). This variant is not present in population databases (gnomAD no frequency). This variant has not been reported in the literature in individuals affected with RET-related conditions. ClinVar contains an entry for this variant (Variation ID: 2821694). An algorithm developed to predict the effect of missense changes on protein structure and function (PolyPhen-2) suggests that this variant is likely to be disruptive. In summary, the available evidence is currently insufficient to determine the role of this variant in disease. Therefore, it has been classified as a Variant of Uncertain Significance.